The following is an entry in ClinVar:

NM_001365536.1(SCN9A):c.3346A>G (p.Lys1116Glu)

Genes: SCN9A (sodium voltage-gated channel alpha subunit 9; minus strand), SCN1A-AS1 (SCN1A and SCN9A antisense RNA 1; plus strand). Cytogenetic location: 2q24.3.
Variant type: single nucleotide variant.
Coding change: c.3346A>G on transcript NM_001365536.1 (MANE Select); coding-DNA position 3346, A replaced by G.
Protein change: p.Lys1116Glu; replaces lysine 1116 with glutamic acid.
Molecular consequence: missense variant.
Genome position (GRCh38, 1-based): chr2:166,272,404, T>C on the plus strand (A>G on the coding strand, the complement: SCN9A is on the minus strand). VCF-style: chr2-166272404-T-C. GRCh37 (hg19) VCF-style: chr2-167128914-T-C.
Other names: c.3313A>G, p.Lys1105Glu (NM_002977.4); short protein forms K1105E, K1116E.
Identifiers: ClinVar variation 3752450 (VCV003752450.2).

ClinVar aggregate classification (germline): Uncertain significance (1 of 4 stars; one submission).

Conditions:
Neuropathy, hereditary sensory and autonomic, type 2A (HSAN2A). Also called: ACROOSTEOLYSIS, GIACCAI TYPE; ACROOSTEOLYSIS, NEUROGENIC; WNK1-Related HSAN2 (HSAN2A); MORVAN DISEASE; NEUROPATHY, CONGENITAL SENSORY; NEUROPATHY, HEREDITARY SENSORY RADICULAR, AUTOSOMAL RECESSIVE. Identifiers: Orphanet 970, MedGen C2752089, MONDO:0024309, OMIM 201300.
Generalized epilepsy with febrile seizures plus, type 7 (GEFSP7). Also called: GEFS+, TYPE 7. Identifiers: Orphanet 36387, MedGen C2751778, MONDO:0013470, OMIM 613863.

gnomAD v4.1: 1 of 1,565,084 alleles (0.000064%); highest among the groups gnomAD compares: Non-Finnish European, 0.000087%; no homozygotes.

Submission:

Labcorp Genetics (formerly Invitae), Labcorp
Classification: Uncertain significance for Neuropathy, hereditary sensory and autonomic, type 2A; Generalized epilepsy with febrile seizures plus, type 7. Last evaluated: 2025-04-27. Review status: criteria provided, single submitter. Criteria: Invitae Variant Classification Sherloc (09022015). Collection method: clinical testing. Allele origin: germline.
Comment: This sequence change replaces lysine, which is basic and polar, with glutamic acid, which is acidic and polar, at codon 1105 of the SCN9A protein (p.Lys1105Glu). This variant is not present in population databases (gnomAD no frequency). This variant has not been reported in the literature in individuals affected with SCN9A-related conditions. ClinVar contains an entry for this variant (Variation ID: 3752450). Invitae Evidence Modeling of protein sequence and biophysical properties (such as structural, functional, and spatial information, amino acid conservation, physicochemical variation, residue mobility, and thermodynamic stability) indicates that this missense variant is not expected to disrupt SCN9A protein function with a negative predictive value of 95%. In summary, the available evidence is currently insufficient to determine the role of this variant in disease. Therefore, it has been classified as a Variant of Uncertain Significance.